The following is an entry in ClinVar:

NM_001082971.2(DDC):c.234C>T (p.Ala78=)

Genes: DDC (dopa decarboxylase; minus strand), DDC-AS1 (DDC antisense RNA 1; plus strand). Cytogenetic location: 7p12.1.
Variant type: single nucleotide variant.
Coding change: c.234C>T on transcript NM_001082971.2 (MANE Select); coding-DNA position 234, C replaced by T.
Protein change: p.Ala78=; no amino-acid change (alanine 78 retained).
Molecular consequence: synonymous variant. On other transcripts: non-coding transcript variant (1), intron variant (2).
Genome position (GRCh38, 1-based): chr7:50,539,996, G>A on the plus strand (C>T on the coding strand, the complement: DDC is on the minus strand). VCF-style: chr7-50539996-G-A. GRCh37 (hg19) VCF-style: chr7-50607694-G-A.
Other names: p.Ala78=; c.234C>T, p.Ala78= (NM_000790.4, NM_001242887.2, NM_001242889.2 and 1 more transcripts); c.201+3889C>T (NM_001242888.2); c.202-2017C>T (NM_001242886.2).
Identifiers: ClinVar variation 360441 (VCV000360441.18), dbSNP rs11575302, ClinGen allele CA4262440.

ClinVar aggregate classification (germline): Benign. Review status: criteria provided, multiple submitters, no conflicts (2 of 4 stars). 6 submissions from 6 submitters: Benign (5). 1 of the submissions does not count toward it. Last evaluated 2026-02-03.

Conditions:
DDC-related disorder. Also called: DDC-related condition.
Deficiency of aromatic-L-amino-acid decarboxylase. Also called: Aromatic L-Amino Acid Decarboxylase Deficiency; Aromatic amino acid decarboxylase deficiency; AADC DEFICIENCY; DDC DEFICIENCY; DOPA DECARBOXYLASE DEFICIENCY. Identifiers: Orphanet 35708, MedGen C1291564, MONDO:0012084, OMIM 608643.

Allele frequency attached by ClinVar (database versions not stated): gnomAD exomes 0.01821 and 0.02152; ExAC 0.02586; 1000 Genomes Project 0.04473; 1000 Genomes Project 30x 0.04700; gnomAD 0.05000 and 0.05323; TOPMed 0.05460; ESP Exome Variant Server 0.05698.
gnomAD v4.1: 34,437 of 1,613,830 alleles (2.1%); highest among the groups gnomAD compares: African/African-American, 14%; 1,036 homozygotes.

Submissions (6):

Labcorp Genetics (formerly Invitae), Labcorp
Classification: Benign for Deficiency of aromatic-L-amino-acid decarboxylase. Last evaluated: 2026-02-03. Review status: criteria provided, single submitter. Criteria: Invitae Variant Classification Sherloc (09022015). Collection method: clinical testing. Allele origin: germline.

Mayo Clinic Laboratories, Mayo Clinic
Classification: Benign. Last evaluated: 2022-03-23. Review status: criteria provided, single submitter. Criteria: ACMG Guidelines, 2015. Collection method: clinical testing. Allele origin: germline. Observed: 33 variant alleles.

GeneDx
Classification: Benign. Last evaluated: 2018-11-02. Review status: criteria provided, single submitter. Criteria: GeneDx Variant Classification Process June 2021. Collection method: clinical testing. Allele origin: germline. Affected: yes.

Illumina Laboratory Services, Illumina
Classification: Benign for Deficiency of aromatic-L-amino-acid decarboxylase. Last evaluated: 2018-01-13. Review status: criteria provided, single submitter. Criteria: ICSL Variant Classification Criteria 13 December 2019. Collection method: clinical testing. Allele origin: germline.
Comment: This variant was observed in the ICSL laboratory as part of a predisposition screen in an ostensibly healthy population. It had not been previously curated by ICSL or reported in the Human Gene Mutation Database (HGMD: prior to June 1st, 2018), and was therefore a candidate for classification through an automated scoring system. Utilizing variant allele frequency, disease prevalence and penetrance estimates, and inheritance mode, an automated score was calculated to assess if this variant is too frequent to cause the disease. Based on the score and internal cut-off values, a variant classified as benign is not then subjected to further curation. The score for this variant resulted in a classification of benign for this disease.

Breakthrough Genomics
Classification: Benign. Review status: criteria provided, single submitter. Criteria: ACMG Guidelines, 2015. Collection method: not provided. Allele origin: germline. Inheritance: Autosomal recessive inheritance. Affected: yes.

PreventionGenetics, part of Exact Sciences
Classification: Benign for DDC-related condition. Last evaluated: 2019-10-28. Review status: no assertion criteria provided. Collection method: clinical testing. Allele origin: germline. Not counted in ClinVar's aggregate classification.
Comment: This variant is classified as benign based on ACMG/AMP sequence variant interpretation guidelines (Richards et al. 2015 PMID: 25741868, with internal and published modifications).